The following is an entry in ClinVar:

NM_000069.3(CACNA1S):c.681C>T (p.Tyr227=)

Gene: CACNA1S (calcium voltage-gated channel subunit alpha1 S; minus strand). Cytogenetic location: 1q32.1.
Variant type: single nucleotide variant.
Coding change: c.681C>T on transcript NM_000069.3 (MANE Select); coding-DNA position 681, C replaced by T.
Protein change: p.Tyr227=; no amino-acid change (tyrosine 227 retained).
Molecular consequence: synonymous variant.
Genome position (GRCh38, 1-based): chr1:201,091,653, G>A on the plus strand (C>T on the coding strand, the complement: CACNA1S is on the minus strand). VCF-style: chr1-201091653-G-A. GRCh37 (hg19) VCF-style: chr1-201060781-G-A.
Identifiers: ClinVar variation 700073 (VCV000700073.14), dbSNP rs371991382, ClinGen allele CA083939.

ClinVar aggregate classification (germline): Likely benign. Review status: criteria provided, multiple submitters, no conflicts (2 of 4 stars). 3 submissions from 3 submitters: Likely benign (3). Last evaluated 2026-01-26.

Conditions:
Hypokalemic periodic paralysis, type 1. Also called: Hypokalemic Periodic Paralysis Type 1 (AD); HypoPP. Identifiers: Orphanet 681, MedGen C3714580, MONDO:0042979, OMIM 170400.
Malignant hyperthermia, susceptibility to, 5 (MHS5). Also called: CACNA1S-Related Malignant Hyperthermia Susceptibility. Identifiers: Orphanet 423, MedGen C1866077, MONDO:0011163, OMIM 601887.

Allele frequency attached by ClinVar (database versions not stated): gnomAD 0.00001; TOPMed 0.00001; gnomAD exomes 0.00004 and 0.00007; ExAC 0.00006; ESP Exome Variant Server 0.00008.
gnomAD v4.1: 58 of 1,614,112 alleles (0.0036%); highest among the groups gnomAD compares: South Asian, 0.027%; no homozygotes.

Submissions (3):

Labcorp Genetics (formerly Invitae), Labcorp
Classification: Likely benign for Hypokalemic periodic paralysis, type 1; Malignant hyperthermia, susceptibility to, 5. Last evaluated: 2026-01-26. Review status: criteria provided, single submitter. Criteria: Invitae Variant Classification Sherloc (09022015). Collection method: clinical testing. Allele origin: germline.

All of Us Research Program, National Institutes of Health
Classification: Likely benign for Malignant hyperthermia, susceptibility to, 5. Last evaluated: 2024-06-11. Review status: criteria provided, single submitter. Criteria: ACMG Guidelines, 2015. Collection method: clinical testing. Allele origin: germline. Inheritance: Autosomal dominant inheritance. Observed: 8 variant alleles, 8 heterozygotes.
Comment: This study involves interpretation of variants in research participants for the purpose of population health screening. Participant phenotype was not available at the time of variant classification. Additional details can be found in publication PMID: 35346344, PMCID: PMC8962531

Color Diagnostics, LLC DBA Color Health
Classification: Likely benign for Malignant hyperthermia, susceptibility to, 5. Last evaluated: 2024-05-14. Review status: criteria provided, single submitter. Criteria: ACMG Guidelines, 2015. Collection method: clinical testing. Allele origin: germline.